The following is an entry in ClinVar:

ClinVar aggregate classification (germline): Uncertain significance. Review status: criteria provided, multiple submitters, no conflicts (2 of 4 stars). 2 submissions from 2 submitters: Uncertain significance (2). Last evaluated 2025-10-14.

Conditions:
Inborn genetic diseases. Identifiers: MedGen C0950123, MeSH D030342.
Immunodeficiency, common variable, 10. Also called: DEFICIT IN ANTERIOR PITUITARY FUNCTION AND VARIABLE IMMUNODEFICIENCY; IMMUNODEFICIENCY, COMMON VARIABLE, WITH CENTRAL ADRENAL INSUFFICIENCY. Identifiers: MedGen C3809991, MONDO:0014260, OMIM 615577.

gnomAD v4.1: 15 of 1,540,820 alleles (0.00097%); highest among the groups gnomAD compares: Non-Finnish European, 0.0012%; no homozygotes.

Submissions (2):

Labcorp Genetics (formerly Invitae), Labcorp
Classification: Uncertain significance for Immunodeficiency, common variable, 10. Last evaluated: 2025-10-14. Review status: criteria provided, single submitter. Criteria: Invitae Variant Classification Sherloc (09022015). Collection method: clinical testing. Allele origin: germline.
Comment: This sequence change replaces alanine, which is neutral and non-polar, with glycine, which is neutral and non-polar, at codon 409 of the NFKB2 protein (p.Ala409Gly). This variant is present in population databases (rs761117769, gnomAD 0.006%). This variant has not been reported in the literature in individuals affected with NFKB2-related conditions. ClinVar contains an entry for this variant (Variation ID: 3879307). An algorithm developed to predict the effect of missense changes on protein structure and function outputs the following: PolyPhen-2: "Benign". The glycine amino acid residue is found in multiple mammalian species, which suggests that this missense change does not adversely affect protein function. In summary, the available evidence is currently insufficient to determine the role of this variant in disease. Therefore, it has been classified as a Variant of Uncertain Significance.

Ambry Genetics
Classification: Uncertain significance for Inborn genetic diseases. Last evaluated: 2025-02-25. Review status: criteria provided, single submitter. Criteria: Ambry Variant Classification Scheme 2023. Collection method: clinical testing. Allele origin: germline.

NM_001322934.2(NFKB2):c.1226C>G (p.Ala409Gly)

Genes: NFKB2 (nuclear factor kappa B subunit 2; plus strand), LOC130004599 (ATAC-STARR-seq lymphoblastoid silent region 2756; plus strand). Cytogenetic location: 10q24.32.
Variant type: single nucleotide variant.
Coding change: c.1226C>G on transcript NM_001322934.2 (MANE Select); coding-DNA position 1226, C replaced by G.
Protein change: p.Ala409Gly; replaces alanine 409 with glycine.
Molecular consequence: missense variant.
Genome position (GRCh38, 1-based): chr10:102,399,396, C>G. VCF-style: chr10-102399396-C-G. GRCh37 (hg19) VCF-style: chr10-104159153-C-G.
Other names: c.1226C>G, p.Ala409Gly (NM_001077494.3, NM_001261403.3, NM_001288724.1 and 1 more transcripts); c.1100C>G, p.Ala367Gly (NM_001322935.1); short protein forms A409G, A367G.
Identifiers: ClinVar variation 3879307 (VCV003879307.2).